The following is an entry in ClinVar:

ClinVar aggregate classification (germline): Uncertain significance. Review status: criteria provided, multiple submitters, no conflicts (2 of 4 stars). 2 submissions from 2 submitters: Uncertain significance (2). Last evaluated 2022-12-13.

Conditions:
DNAH11-related disorder. Also called: DNAH11-related condition.

Submissions (2):

PreventionGenetics, part of Exact Sciences
Classification: Uncertain significance for DNAH11-related condition. Last evaluated: 2022-12-13. Review status: criteria provided, single submitter. Criteria: ACMG Guidelines, 2015. Collection method: clinical testing. Allele origin: germline.
Comment: The DNAH11 c.4880G>C variant is predicted to result in the amino acid substitution p.Arg1627Pro. To our knowledge, this variant has not been reported in the literature or in a large population database, indicating this variant is rare. At this time, the clinical significance of this variant is uncertain due to the absence of conclusive functional and genetic evidence.

Blueprint Genetics
Classification: Uncertain significance. Last evaluated: 2021-06-10. Review status: criteria provided, single submitter. Criteria: ACMG Guidelines, 2015. Collection method: clinical testing. Allele origin: germline.

NM_001277115.2(DNAH11):c.4880G>C (p.Arg1627Pro)

Gene: DNAH11 (dynein axonemal heavy chain 11; plus strand). Cytogenetic location: 7p15.3.
Variant type: single nucleotide variant.
Coding change: c.4880G>C on transcript NM_001277115.2 (MANE Select); coding-DNA position 4880, G replaced by C.
Protein change: p.Arg1627Pro; replaces arginine 1627 with proline.
Molecular consequence: missense variant.
Genome position (GRCh38, 1-based): chr7:21,639,001, G>C. VCF-style: chr7-21639001-G-C. GRCh37 (hg19) VCF-style: chr7-21678619-G-C.
Other names: c.4895G>C, p.Arg1632Pro (NM_003777.3); short protein forms R1627P, R1632P.
Identifiers: ClinVar variation 2629623 (VCV002629623.2), dbSNP rs943023493, ClinGen allele CA366934507.